The following is an entry in ClinVar:

NM_032730.5(RTN4IP1):c.495+1G>A

Gene: RTN4IP1 (reticulon 4 interacting protein 1; minus strand). Cytogenetic location: 6q21.
Variant type: single nucleotide variant.
Coding change: c.495+1G>A on transcript NM_032730.5 (MANE Select); the canonical splice donor site of the intron after coding-DNA position 495, G replaced by A.
Molecular consequence: splice donor variant.
Genome position (GRCh38, 1-based): chr6:106,621,424, C>T on the plus strand (G>A on the coding strand, the complement: RTN4IP1 is on the minus strand). VCF-style: chr6-106621424-C-T. GRCh37 (hg19) VCF-style: chr6-107069299-C-T.
Other names: c.195+1G>A (NM_001318746.1).
Identifiers: ClinVar variation 2698653 (VCV002698653.3), dbSNP rs1025800148, ClinGen allele CA144995583.

ClinVar aggregate classification (germline): Likely pathogenic (1 of 4 stars; one submission).

Allele frequency attached by ClinVar (database versions not stated): TOPMed below 0.00001; gnomAD 0.00001.
gnomAD v4.1: 1 of 1,610,140 alleles (0.000062%); highest among the groups gnomAD compares: African/African-American, 0.0013%; no homozygotes.

Submission:

Labcorp Genetics (formerly Invitae), Labcorp
Classification: Likely pathogenic. Last evaluated: 2024-05-29. Review status: criteria provided, single submitter. Criteria: Invitae Variant Classification Sherloc (09022015). Collection method: clinical testing. Allele origin: germline.
Comment: This sequence change affects a donor splice site in intron 3 of the RTN4IP1 gene. It is expected to disrupt RNA splicing. Variants that disrupt the donor or acceptor splice site typically lead to a loss of protein function (PMID: 16199547), and loss-of-function variants in RTN4IP1 are known to be pathogenic (PMID: 26593267). This variant is not present in population databases (gnomAD no frequency). This variant has not been reported in the literature in individuals affected with RTN4IP1-related conditions. Algorithms developed to predict the effect of sequence changes on RNA splicing suggest that this variant may disrupt the consensus splice site. In summary, the currently available evidence indicates that the variant is pathogenic, but additional data are needed to prove that conclusively. Therefore, this variant has been classified as Likely Pathogenic.

Literature cited by the submitters: PubMed 16199547; PubMed 26593267.